The following is an entry in ClinVar:

NM_006031.6(PCNT):c.9661del (p.Arg3221fs)

Gene: PCNT (pericentrin; plus strand). Cytogenetic location: 21q22.3.
Variant type: Deletion.
Coding change: c.9661del on transcript NM_006031.6 (MANE Select); coding-DNA position 9661, one base deleted (C; older notation c.9661delC).
Protein change: p.Arg3221fs; shifts the reading frame from arginine 3221.
Molecular consequence: frameshift variant.
Genome position (GRCh38, 1-based): chr21:46,442,534, C deleted. VCF-style (leftmost placement, unchanged base first): chr21-46442533-TC-T. GRCh37 (hg19) VCF-style: chr21-47862446-TC-T.
Other names: c.9070del, p.Arg3024fs (NM_001315529.2); short protein forms R3221fs, R3024fs.
Identifiers: ClinVar variation 2744688 (VCV002744688.3), dbSNP rs2519140321, ClinGen allele CA2697547617.
Genomic context (GRCh38, chr21:46,442,533, plus strand): 5'-GTGTCTTGTCTCTTTTTTTTGTAGATTACGTTTTTTGGTTAAGAAATGGCAAGAAGTAGA[TC>T]GGAAAGGAGCTCTGGCACAAGGCAAAGCCCCTCGCCCAGGTGGGACTCCAGCTGCTGTTG-3'

ClinVar aggregate classification (germline): Pathogenic (1 of 4 stars; one submission).

Submission:

Labcorp Genetics (formerly Invitae), Labcorp
Classification: Pathogenic. Last evaluated: 2023-07-18. Review status: criteria provided, single submitter. Criteria: Invitae Variant Classification Sherloc (09022015). Collection method: clinical testing. Allele origin: germline.
Comment: For these reasons, this variant has been classified as Pathogenic. This variant has not been reported in the literature in individuals affected with PCNT-related conditions. This variant is not present in population databases (gnomAD no frequency). This sequence change creates a premature translational stop signal (p.Arg3221Glyfs*69) in the PCNT gene. It is expected to result in an absent or disrupted protein product. Loss-of-function variants in PCNT are known to be pathogenic (PMID: 18174396, 22821869).

Literature cited by the submitters: PubMed 18174396; PubMed 22821869.